The following is an entry in ClinVar:

NM_004273.5(CHST3):c.1150_1166del (p.Glu384fs)

Gene: CHST3 (carbohydrate sulfotransferase 3; plus strand). Cytogenetic location: 10q22.1.
Variant type: Deletion.
Coding change: c.1150_1166del on transcript NM_004273.5 (MANE Select); coding-DNA positions 1150 to 1166, 17 bases deleted (GAGATGTACCGCTTCGC).
Protein change: p.Glu384fs; shifts the reading frame from glutamic acid 384.
Molecular consequence: frameshift variant.
Genome position (GRCh38, 1-based): chr10:72,008,181-72,008,197, GAGATGTACCGCTTCGC deleted; deleting any 17 consecutive bases within chr10:72,008,178-72,008,197 gives the same sequence; the c. name uses the placement nearest the transcript's 3' end. VCF-style (leftmost placement, unchanged base first): chr10-72008177-CCGCGAGATGTACCGCTT-C. GRCh37 (hg19) VCF-style: chr10-73767935-CCGCGAGATGTACCGCTT-C.
Other names: short protein forms E384fs.
Identifiers: ClinVar variation 1452559 (VCV001452559.6), dbSNP rs2131776376, ClinGen allele CA2573145449.

ClinVar aggregate classification (germline): Pathogenic (1 of 4 stars; one submission).

Conditions:
Spondyloepiphyseal dysplasia with congenital joint dislocations (SEDCJD). Also called: Chondrodysplasia with Congenital Joint Dislocations, CHST3-Related. Identifiers: Orphanet 263463, MedGen C1837657, MONDO:0007738, OMIM 143095.

Submission:

Labcorp Genetics (formerly Invitae), Labcorp
Classification: Pathogenic for Spondyloepiphyseal dysplasia with congenital joint dislocations. Last evaluated: 2021-09-14. Review status: criteria provided, single submitter. Criteria: Invitae Variant Classification Sherloc (09022015). Collection method: clinical testing. Allele origin: germline.
Comment: This sequence change results in a frameshift in the CHST3 gene (p.Glu384Argfs*122). While this is not anticipated to result in nonsense mediated decay, it is expected to disrupt the last 96 amino acid(s) of the CHST3 protein and extend the protein by 25 additional amino acid residues. The frequency data for this variant in the population databases is considered unreliable, as metrics indicate insufficient coverage at this position in the ExAC database. This variant has not been reported in the literature in individuals affected with CHST3-related conditions. This variant results in an extension of the CHST3 protein. Other variant(s) that result in a similarly extended protein product (p.Ser431Lysfs*81) have been determined to be pathogenic (PMID: 29453417; Invitae). This suggests that these extensions are likely to be disease-causing. For these reasons, this variant has been classified as Pathogenic.

Literature cited by the submitters: PubMed 29453417.